The following is an entry in ClinVar:

ClinVar aggregate classification (germline): Likely pathogenic. Review status: criteria provided, single submitter (1 of 4 stars). 2 submissions from 2 submitters: Likely pathogenic (1). 1 of the submissions does not count toward it. Last evaluated 2019-08-13.

Submissions (2):

GeneDx
Classification: Likely pathogenic. Last evaluated: 2019-08-13. Review status: criteria provided, single submitter. Criteria: GeneDx Variant Classification Process June 2021. Collection method: clinical testing. Allele origin: germline. Affected: yes.
Comment: Frameshift variant in the C-terminus predicted to result in protein truncation, as the last 22 amino acids are lost and replaced with 10 incorrect amino acids (Stenson et al., 2014); Not observed in large population cohorts (Lek et al., 2016); Has not been previously published as pathogenic or benign to our knowledge

Molecular Genetics laboratory, Necker Hospital
Classification: Likely pathogenic. Last evaluated: 2022-04-26. Review status: no assertion criteria provided. Collection method: clinical testing. Allele origin: de novo. Affected: yes. Not counted in ClinVar's aggregate classification.

NM_138576.4(BCL11B):c.2616_2617del (p.Met873fs)

Gene: BCL11B (BCL11 transcription factor B; minus strand). Cytogenetic location: 14q32.2.
Variant type: Microsatellite.
Coding change: c.2616_2617del on transcript NM_138576.4 (MANE Select); coding-DNA positions 2616 to 2617, 2 bases deleted (CA; older notation c.2616_2617delCA).
Protein change: p.Met873fs; shifts the reading frame from methionine 873.
Molecular consequence: frameshift variant.
Genome position (GRCh38, 1-based): chr14:99,174,219-99,174,220, TG deleted on the plus strand (CA on the coding strand, the reverse complement: BCL11B is on the minus strand); deleting any 2 consecutive bases within chr14:99,174,219-99,174,223 gives the same sequence; the c. name uses the placement nearest the transcript's 3' end. VCF-style (leftmost placement, unchanged base first): chr14-99174218-ATG-A. GRCh37 (hg19) VCF-style: chr14-99640555-ATG-A.
Other names: c.2613_2614del, p.Met872fs (NM_001282237.2); c.2400_2401del, p.Met801fs (NM_001282238.2); c.2403_2404del, p.Met802fs (NM_022898.3); short protein forms M801fs, M802fs, M872fs, M873fs.
Identifiers: ClinVar variation 1203923 (VCV001203923.4), dbSNP rs2139752497, ClinGen allele CA2580613760.